The following is an entry in ClinVar:

NM_000179.3(MSH6):c.2990A>G (p.Lys997Arg)

Gene: MSH6 (mutS homolog 6; plus strand). Cytogenetic location: 2p16.3.
Variant type: single nucleotide variant.
Coding change: c.2990A>G on transcript NM_000179.3 (MANE Select); coding-DNA position 2990, A replaced by G.
Protein change: p.Lys997Arg; replaces lysine 997 with arginine.
Molecular consequence: missense variant.
Genome position (GRCh38, 1-based): chr2:47,800,973, A>G. VCF-style: chr2-47800973-A-G. GRCh37 (hg19) VCF-style: chr2-48028112-A-G.
Other names: c.2600A>G, p.Lys867Arg (NM_001281492.2); c.2084A>G, p.Lys695Arg (NM_001281493.2, NM_001281494.2); short protein forms K997R, K695R, K867R.
Identifiers: ClinVar variation 135837 (VCV000135837.16), dbSNP rs587780674, ClinGen allele CA011298.

ClinVar aggregate classification (germline): Uncertain significance. Review status: criteria provided, multiple submitters, no conflicts (2 of 4 stars). 4 submissions from 4 submitters: Uncertain significance (4). Last evaluated 2025-12-22.

Conditions:
Hereditary nonpolyposis colorectal neoplasms. Identifiers: MedGen C0009405, MeSH D003123.
Hereditary cancer-predisposing syndrome. Also called: Tumor predisposition; Hereditary neoplastic syndrome; Neoplastic Syndromes, Hereditary; Hereditary Cancer Syndrome. Identifiers: Orphanet 140162, MedGen C0027672, MeSH D009386, MONDO:0015356.
Lynch syndrome. Identifiers: Orphanet 144, MedGen C4552100, MONDO:0005835. Disease mechanism: loss of function.

gnomAD v4.1: 1 of 1,561,460 alleles (0.000064%); highest among the groups gnomAD compares: East Asian, 0.0022%; no homozygotes.

Submissions (4):

Labcorp Genetics (formerly Invitae), Labcorp
Classification: Uncertain significance for Hereditary nonpolyposis colorectal neoplasms. Last evaluated: 2025-12-22. Review status: criteria provided, single submitter. Criteria: Invitae Variant Classification Sherloc (09022015). Collection method: clinical testing. Allele origin: germline.
Comment: This sequence change replaces lysine, which is basic and polar, with arginine, which is basic and polar, at codon 997 of the MSH6 protein (p.Lys997Arg). This variant is not present in population databases (gnomAD no frequency). This variant has not been reported in the literature in individuals affected with MSH6-related conditions. ClinVar contains an entry for this variant (Variation ID: 135837). Invitae Evidence Modeling of protein sequence and biophysical properties (such as structural, functional, and spatial information, amino acid conservation, physicochemical variation, residue mobility, and thermodynamic stability) indicates that this missense variant is not expected to disrupt MSH6 protein function with a negative predictive value of 95%. In summary, the available evidence is currently insufficient to determine the role of this variant in disease. Therefore, it has been classified as a Variant of Uncertain Significance.

Color Diagnostics, LLC DBA Color Health
Classification: Uncertain significance for Hereditary cancer-predisposing syndrome. Last evaluated: 2025-10-01. Review status: criteria provided, single submitter. Criteria: ACMG Guidelines, 2015. Collection method: clinical testing. Allele origin: germline.
Comment: This missense variant replaces lysine with arginine at codon 997 of the MSH6 protein. Computational prediction suggests that this variant may not impact protein structure and function. To our knowledge, functional studies have not been reported for this variant. This variant has not been reported in individuals affected with MSH6-related disorders in the literature. This variant has been identified in 1/1409120 chromosomes in the general population by the Genome Aggregation Database (gnomAD). The available evidence is insufficient to determine the role of this variant in disease conclusively. Therefore, this variant is classified as a Variant of Uncertain Significance.

Ambry Genetics
Classification: Uncertain significance for Hereditary cancer-predisposing syndrome. Last evaluated: 2025-06-06. Review status: criteria provided, single submitter. Criteria: Ambry Variant Classification Scheme 2023. Collection method: clinical testing. Allele origin: germline.
Comment: The p.K997R variant (also known as c.2990A>G), located in coding exon 4 of the MSH6 gene, results from an A to G substitution at nucleotide position 2990. The lysine at codon 997 is replaced by arginine, an amino acid with highly similar properties. This amino acid position is highly conserved in available vertebrate species. In addition, this alteration is predicted to be tolerated by in silico analysis. Since supporting evidence is limited at this time, the clinical significance of this alteration remains unclear.

All of Us Research Program, National Institutes of Health
Classification: Uncertain significance for Lynch syndrome. Last evaluated: 2023-06-26. Review status: criteria provided, single submitter. Criteria: ACMG Guidelines, 2015. Collection method: clinical testing. Allele origin: germline. Inheritance: Autosomal dominant inheritance. Observed: 1 variant allele, 1 heterozygote.
Comment: This missense variant replaces lysine with arginine at codon 997 of the MSH6 protein. Computational prediction suggests that this variant may not impact protein structure and function (internally defined REVEL score threshold <= 0.5, PMID: 27666373). To our knowledge, functional studies have not been reported for this variant. This variant has not been reported in individuals affected with MSH6-related disorders in the literature. This variant has not been identified in the general population by the Genome Aggregation Database (gnomAD). The available evidence is insufficient to determine the role of this variant in disease conclusively. Therefore, this variant is classified as a Variant of Uncertain Significance.

This study involves interpretation of variants in research participants for the purpose of population health screening. Participant phenotype was not available at the time of variant classification. Additional details can be found in publication PMID: 35346344, PMCID: PMC8962531